The following is an entry in ClinVar:

ClinVar aggregate classification (germline): Uncertain significance. Review status: criteria provided, multiple submitters, no conflicts (2 of 4 stars). 2 submissions from 2 submitters: Uncertain significance (2). Last evaluated 2025-08-17.

Conditions:
Inborn genetic diseases. Identifiers: MedGen C0950123, MeSH D030342.

Allele frequency attached by ClinVar (database versions not stated): TOPMed 0.00003; gnomAD 0.00006.
gnomAD v4.1: 11 of 1,503,874 alleles (0.00073%); highest among the groups gnomAD compares: African/African-American, 0.015%; no homozygotes.

Submissions (2):

Mayo Clinic Laboratories, Mayo Clinic
Classification: Uncertain significance. Last evaluated: 2025-08-17. Review status: criteria provided, single submitter. Criteria: ACMG Guidelines, 2015. Collection method: clinical testing. Allele origin: germline. Observed: 1 variant allele.
Comment: BP4_moderate, PM2_supporting

Ambry Genetics
Classification: Uncertain significance for Inborn genetic diseases. Last evaluated: 2022-08-08. Review status: criteria provided, single submitter. Criteria: Ambry Variant Classification Scheme 2023. Collection method: clinical testing. Allele origin: germline.

NM_005876.5(SPEG):c.1789C>T (p.Pro597Ser)

Gene: SPEG (striated muscle enriched protein kinase; plus strand). Cytogenetic location: 2q35.
Variant type: single nucleotide variant.
Coding change: c.1789C>T on transcript NM_005876.5 (MANE Select); coding-DNA position 1789, C replaced by T.
Protein change: p.Pro597Ser; replaces proline 597 with serine.
Molecular consequence: missense variant.
Genome position (GRCh38, 1-based): chr2:219,448,947, C>T. VCF-style: chr2-219448947-C-T. GRCh37 (hg19) VCF-style: chr2-220313669-C-T.
Other names: p.Pro597Ser; short protein forms P597S.
Identifiers: ClinVar variation 3168871 (VCV003168871.2), dbSNP rs973216636, ClinGen allele CA66004866.
Genomic context (GRCh38, chr2:219,448,947, plus strand): 5'-GCGGGCAGGACAGAGCCGGGGGAAGGCCCGCAGCAGGAGGTTAGGCGTCGGGACCAATTC[C>T]CGCTGACCCGGAGCAGAGCCATCCAGGAGTGCAGGAGCCCTGTGCCGCCCCCCGCCGCCG-3'
Protein context (NP_005867.3, residues 587-607): QQEVRRRDQF[Pro597Ser]LTRSRAIQEC